The following is an entry in ClinVar:

ClinVar aggregate classification (germline): Uncertain significance (1 of 4 stars; one submission).

Conditions:
Hereditary cancer-predisposing syndrome. Also called: Neoplastic Syndromes, Hereditary; Tumor predisposition; Hereditary Cancer Syndrome; Hereditary neoplastic syndrome. Identifiers: Orphanet 140162, MedGen C0027672, MeSH D009386, MONDO:0015356.

Submission:

Ambry Genetics
Classification: Uncertain significance for Hereditary cancer-predisposing syndrome. Last evaluated: 2024-08-21. Review status: criteria provided, single submitter. Criteria: Ambry Variant Classification Scheme 2023. Collection method: clinical testing. Allele origin: germline.
Comment: The p.A1595D variant (also known as c.4784C>A), located in coding exon 15 of the APC gene, results from a C to A substitution at nucleotide position 4784. The alanine at codon 1595 is replaced by aspartic acid, an amino acid with dissimilar properties. This amino acid position is conserved. In addition, in silico predictors for this gene do not accurately predict pathogenicity. Based on the available evidence, the clinical significance of this variant remains unclear.

NM_000038.6(APC):c.4784C>A (p.Ala1595Asp)

Gene: APC (APC regulator of Wnt signaling pathway; plus strand). Cytogenetic location: 5q22.2.
Variant type: single nucleotide variant.
Coding change: c.4784C>A on transcript NM_000038.6 (MANE Select); coding-DNA position 4784, C replaced by A.
Protein change: p.Ala1595Asp; replaces alanine 1595 with aspartic acid.
Molecular consequence: missense variant. On other transcripts: non-coding transcript variant (2).
Genome position (GRCh38, 1-based): chr5:112,840,378, C>A. VCF-style: chr5-112840378-C-A. GRCh37 (hg19) VCF-style: chr5-112176075-C-A.
Other names: c.4814C>A, p.Ala1605Asp (NM_001354897.2); c.4784C>A, p.Ala1595Asp (NM_001127510.3, NM_001354895.2, NM_001407450.1); c.4709C>A, p.Ala1570Asp (NM_001354898.2); c.4730C>A, p.Ala1577Asp (NM_001127511.3); c.4838C>A, p.Ala1613Asp (NM_001354896.2, NM_001407447.1, NM_001407448.1 and 1 more transcripts); c.4700C>A, p.Ala1567Asp (NM_001354899.2); c.4661C>A, p.Ala1554Asp (NM_001354900.2); c.4607C>A, p.Ala1536Asp (NM_001354901.2, NM_001407453.1); and 11 more; short protein forms A1312D, A1504D, A1577D, A1613D, A1623D, A1211D, A1570D, A1585D.
Identifiers: ClinVar variation 3410510 (VCV003410510.1).
Genomic context (GRCh38, chr5:112,840,378, plus strand): 5'-TAGAAGAATGTATTATTTCTGCCATGCCAACAAAGTCATCACGTAAAGCAAAAAAGCCAG[C>A]CCAGACTGCTTCAAAATTACCTCCACCTGTGGCAAGGAAACCAAGTCAGCTGCCTGTGTA-3'
Protein context (NP_000029.2, residues 1585-1605): TKSSRKAKKP[Ala1595Asp]QTASKLPPPV